The following is an entry in ClinVar:

ClinVar aggregate classification (germline): Uncertain significance. Review status: criteria provided, multiple submitters, no conflicts (2 of 4 stars). 2 submissions from 2 submitters: Uncertain significance (2). Last evaluated 2025-10-15.

Conditions:
Rhabdoid tumor predisposition syndrome 2 (RTPS2). Identifiers: Orphanet 231108, Orphanet 69077, MedGen C2750074, MONDO:0013224, OMIM 613325.
Hereditary cancer-predisposing syndrome. Also called: Neoplastic Syndromes, Hereditary; Tumor predisposition; Hereditary neoplastic syndrome; Hereditary Cancer Syndrome. Identifiers: Orphanet 140162, MedGen C0027672, MeSH D009386, MONDO:0015356.

Allele frequency attached by ClinVar (database versions not stated): ExAC 0.00001; gnomAD 0.00001.
gnomAD v4.1: 1 of 1,613,050 alleles (0.000062%); highest among the groups gnomAD compares: Non-Finnish European, 0.000085%; no homozygotes.

Submissions (2):

Labcorp Genetics (formerly Invitae), Labcorp
Classification: Uncertain significance for Rhabdoid tumor predisposition syndrome 2. Last evaluated: 2025-10-15. Review status: criteria provided, single submitter. Criteria: Invitae Variant Classification Sherloc (09022015). Collection method: clinical testing. Allele origin: germline.
Comment: This sequence change replaces glutamic acid, which is acidic and polar, with lysine, which is basic and polar, at codon 1198 of the SMARCA4 protein (p.Glu1198Lys). This variant is present in population databases (rs755541709, gnomAD 0.002%). This variant has not been reported in the literature in individuals affected with SMARCA4-related conditions. ClinVar contains an entry for this variant (Variation ID: 2452831). Invitae Evidence Modeling of protein sequence and biophysical properties (such as structural, functional, and spatial information, amino acid conservation, physicochemical variation, residue mobility, and thermodynamic stability) indicates that this missense variant is expected to disrupt SMARCA4 protein function with a positive predictive value of 95%. In summary, the available evidence is currently insufficient to determine the role of this variant in disease. Therefore, it has been classified as a Variant of Uncertain Significance.

Ambry Genetics
Classification: Uncertain significance for Hereditary cancer-predisposing syndrome. Last evaluated: 2022-11-16. Review status: criteria provided, single submitter. Criteria: Ambry Variant Classification Scheme 2023. Collection method: clinical testing. Allele origin: germline.
Comment: The p.E1198K variant (also known as c.3592G>A), located in coding exon 25 of the SMARCA4 gene, results from a G to A substitution at nucleotide position 3592. The glutamic acid at codon 1198 is replaced by lysine, an amino acid with similar properties. This amino acid position is highly conserved in available vertebrate species. In addition, this alteration is predicted to be deleterious by in silico analysis. Missense and in-frame variants in SMARCA4 are known to cause neurodevelopmental disorders; however, such associations with rhabdoid tumor predisposition syndrome including small cell carcinoma of the ovary-hypercalcemic type (SCCOHT) are exceedingly rare (Kosho T et al. Am J Med Genet C Semin Med Genet. 2014 Sep;166C(3):262-75; Jelinic P et al. Nat Genet. 2014 May;46(5):424-6). Since supporting evidence is limited at this time, the clinical significance of this alteration remains unclear.

NM_003072.5(SMARCA4):c.3592G>A (p.Glu1198Lys)

Gene: SMARCA4 (SWI/SNF related BAF chromatin remodeling complex subunit ATPase 4; plus strand). Cytogenetic location: 19p13.2.
Variant type: single nucleotide variant.
Coding change: c.3592G>A on transcript NM_003072.5 (MANE Select); coding-DNA position 3592, G replaced by A.
Protein change: p.Glu1198Lys; replaces glutamic acid 1198 with lysine.
Molecular consequence: missense variant. On other transcripts: non-coding transcript variant (1).
Genome position (GRCh38, 1-based): chr19:11,033,335, G>A. VCF-style: chr19-11033335-G-A. GRCh37 (hg19) VCF-style: chr19-11144011-G-A.
Other names: c.3592G>A, p.Glu1198Lys (NM_001128844.3, NM_001128845.2, NM_001128846.2 and 6 more transcripts); short protein forms E1198K.
Identifiers: ClinVar variation 2452831 (VCV002452831.4), dbSNP rs755541709, ClinGen allele CA9204474.